The following is an entry in ClinVar:

NM_001277115.2(DNAH11):c.11811A>C (p.Val3937=)

Gene: DNAH11 (dynein axonemal heavy chain 11; plus strand). Cytogenetic location: 7p15.3.
Variant type: single nucleotide variant.
Coding change: c.11811A>C on transcript NM_001277115.2 (MANE Select); coding-DNA position 11811, A replaced by C.
Protein change: p.Val3937=; no amino-acid change (valine 3937 retained).
Molecular consequence: synonymous variant.
Genome position (GRCh38, 1-based): chr7:21,867,979, A>C. VCF-style: chr7-21867979-A-C. GRCh37 (hg19) VCF-style: chr7-21907597-A-C.
Other names: c.11811A>C (NM_001277115.1).
Identifiers: ClinVar variation 1595013 (VCV001595013.10), dbSNP rs1288573843, ClinGen allele CA453966907.

ClinVar aggregate classification (germline): Likely benign. Review status: criteria provided, single submitter (1 of 4 stars). 2 submissions from 2 submitters: Likely benign (1). 1 of the submissions does not count toward it. Last evaluated 2025-04-20.

Conditions:
Primary ciliary dyskinesia. Also called: Ciliary dyskinesia. Identifiers: Orphanet 244, MedGen C0008780, MONDO:0016575, HP:0012265.
DNAH11-related disorder. Also called: DNAH11-related condition.

gnomAD v4.1: 5 of 1,558,648 alleles (0.00032%); highest among the groups gnomAD compares: Non-Finnish European, 0.00043%; no homozygotes.

Submissions (2):

Labcorp Genetics (formerly Invitae), Labcorp
Classification: Likely benign for Primary ciliary dyskinesia. Last evaluated: 2025-04-20. Review status: criteria provided, single submitter. Criteria: Invitae Variant Classification Sherloc (09022015). Collection method: clinical testing. Allele origin: germline.

PreventionGenetics, part of Exact Sciences
Classification: Likely benign for DNAH11-related condition. Last evaluated: 2024-01-05. Review status: no assertion criteria provided. Collection method: clinical testing. Allele origin: germline. Not counted in ClinVar's aggregate classification.
Comment: This variant is classified as likely benign based on ACMG/AMP sequence variant interpretation guidelines (Richards et al. 2015 PMID: 25741868, with internal and published modifications).